The following is an entry in ClinVar:

NM_013275.6(ANKRD11):c.986A>G (p.His329Arg)

Gene: ANKRD11 (ankyrin repeat domain 11; minus strand). Cytogenetic location: 16q24.3.
Variant type: single nucleotide variant.
Coding change: c.986A>G on transcript NM_013275.6 (MANE Select); coding-DNA position 986, A replaced by G.
Protein change: p.His329Arg; replaces histidine 329 with arginine.
Molecular consequence: missense variant.
Genome position (GRCh38, 1-based): chr16:89,285,556, T>C on the plus strand (A>G on the coding strand, the complement: ANKRD11 is on the minus strand). VCF-style: chr16-89285556-T-C. GRCh37 (hg19) VCF-style: chr16-89351964-T-C.
Other names: c.986A>G, p.His329Arg (NM_001256182.2, NM_001256183.2); c.986A>G (NM_013275.5); short protein forms H329R.
Identifiers: ClinVar variation 1701300 (VCV001701300.32), dbSNP rs2151766571, ClinGen allele CA397166008.
Genomic context (GRCh38, chr16:89,285,556, plus strand): 5'-AACTCATACTCGTCCTTGACGGGGGCCGTGGCCTTCTGTGGCTCTGGGTTCTTGGCCTTG[T>C]GCTTGAGGCCTTTTTCGAACTCGGAGTCCGTGTTGTTGCCGTCGACTGAACTGGAAGGTG-3'
Protein context (NP_037407.4, residues 319-339): TDSEFEKGLK[His329Arg]KAKNPEPQKA

ClinVar aggregate classification (germline): Uncertain significance. Review status: criteria provided, multiple submitters, no conflicts (2 of 4 stars). 2 submissions from 2 submitters: Uncertain significance (2). Last evaluated 2026-02-18.

gnomAD v4.1: 2 of 1,614,182 alleles (0.00012%); highest among the groups gnomAD compares: Non-Finnish European, 0.00017%; no homozygotes.

Submissions (2):

GeneDx
Classification: Uncertain significance. Last evaluated: 2026-02-18. Review status: criteria provided, single submitter. Criteria: GeneDx Variant Classification Process June 2021. Collection method: clinical testing. Allele origin: germline.
Comment: Not observed at significant frequency in large population cohorts (gnomAD); In silico analysis suggests that this missense variant does not alter protein structure/function; Has not been previously published as pathogenic or benign to our knowledge

CeGaT Center for Human Genetics Tuebingen
Classification: Uncertain significance. Last evaluated: 2022-07-01. Review status: criteria provided, single submitter. Criteria: CeGaT Center For Human Genetics Tuebingen Variant Classification Criteria Version 2. Collection method: clinical testing. Allele origin: germline. Affected: yes. Observed: 1 variant allele.
Comment: ANKRD11: PM2, BP4